The following is an entry in ClinVar:

ClinVar aggregate classification (germline): Likely benign. Review status: criteria provided, single submitter (1 of 4 stars). 2 submissions from 2 submitters: Likely benign (1). 1 of the submissions does not count toward it. Last evaluated 2024-11-21.

Conditions:
GTPBP3-related disorder. Also called: GTPBP3-related condition.

Allele frequency attached by ClinVar (database versions not stated): ExAC 0.00008; TOPMed 0.00015; gnomAD 0.00100; gnomAD exomes 0.00047.
gnomAD v4.1: 786 of 1,535,936 alleles (0.051%); highest among the groups gnomAD compares: Non-Finnish European, 0.024%; 4 homozygotes.

Submissions (2):

Blueprint Genetics
Classification: Likely benign. Last evaluated: 2024-11-21. Review status: criteria provided, single submitter. Criteria: ACMG Guidelines, 2015. Collection method: clinical testing. Allele origin: germline.

PreventionGenetics, part of Exact Sciences
Classification: Likely benign for GTPBP3-related condition. Last evaluated: 2020-06-01. Review status: no assertion criteria provided. Collection method: clinical testing. Allele origin: germline. Not counted in ClinVar's aggregate classification.
Comment: This variant is classified as likely benign based on ACMG/AMP sequence variant interpretation guidelines (Richards et al. 2015 PMID: 25741868, with internal and published modifications).

NM_001195422.1(GTPBP3):c.43G>C (p.Val15Leu)

Gene: GTPBP3 (GTP binding protein 3, mitochondrial; plus strand). Cytogenetic location: 19p13.11.
Variant type: single nucleotide variant.
Coding change: c.43G>C on transcript NM_001195422.1; coding-DNA position 43, G replaced by C.
Protein change: p.Val15Leu; replaces valine 15 with leucine.
Molecular consequence: missense variant.
Genome position (GRCh38, 1-based): chr19:17,335,046, G>C. VCF-style: chr19-17335046-G-C. GRCh37 (hg19) VCF-style: chr19-17445855-G-C.
Other names: short protein forms V15L.
Identifiers: ClinVar variation 3046458 (VCV003046458.3), dbSNP rs201583022, ClinGen allele CA9293156.